The following is an entry in ClinVar:

NM_000492.4(CFTR):c.1738del (p.Val580fs)

Gene: CFTR (CF transmembrane conductance regulator; plus strand). Cytogenetic location: 7q31.2.
Variant type: Deletion.
Coding change: c.1738del on transcript NM_000492.4 (MANE Select); coding-DNA position 1738, one base deleted (G; older notation c.1738delG).
Protein change: p.Val580fs; shifts the reading frame from valine 580.
Molecular consequence: frameshift variant.
Genome position (GRCh38, 1-based): chr7:117,590,411, G deleted. VCF-style (leftmost placement, unchanged base first): chr7-117590410-TG-T. GRCh37 (hg19) VCF-style: chr7-117230464-TG-T.
Other names: 1870delG; c.1738delG (NM_000492.4, NM_000492.3); short protein forms V580fs.
Identifiers: ClinVar variation 53366 (VCV000053366.2), dbSNP rs397508289, ClinGen allele CA326645.
Genomic context (GRCh38, chr7:117,590,410, plus strand): 5'-TAGAGCAGTATACAAAGATGCTGATTTGTATTTATTAGACTCTCCTTTTGGATACCTAGA[TG>T]TTTTAACAGAAAAAGAAATATTTGAAAGGTATGTTCTTTGAATACCTTACTTATAATGCT-3'

ClinVar aggregate classification (germline): Pathogenic. Review status: criteria provided, single submitter (1 of 4 stars). 2 submissions from 2 submitters: Pathogenic (1). 1 of the submissions does not count toward it. Last evaluated 2022-09-05.

Conditions:
Cystic fibrosis (CF). Also called: MUCOVISCIDOSIS. Identifiers: Orphanet 586, MedGen C0010674, MONDO:0009061, OMIM 219700. Disease mechanism: loss of function.

Submissions (2):

Institute of Human Genetics, University of Leipzig Medical Center
Classification: Pathogenic for Cystic fibrosis. Last evaluated: 2022-09-05. Review status: criteria provided, single submitter. Criteria: ACMG Guidelines, 2015. Collection method: curation. Allele origin: unknown. Affected: yes. Observed: 1 variant allele.
Comment: The variant was classified in the context of a project re-classifying variants in the German Cystic Fibrosis Registry (Muko.e.V.). Criteria applied: PVS1, PM2_SUP, PM3_SUP

ClinVar Staff, National Center for Biotechnology Information (NCBI)
No classification provided. Condition: CFTR-related disorders. Review status: no classification provided. Collection method: literature only. Allele origin: germline. Affected: yes. Not counted in ClinVar's aggregate classification.

Literature cited by the submitters: PubMed 10980550 (cited by ClinVar Staff, National Center for Biotechnology Information (NCBI)).